The following is an entry in ClinVar:

NM_001365536.1(SCN9A):c.434T>C (p.Met145Thr)

Gene: SCN9A (sodium voltage-gated channel alpha subunit 9; minus strand). Cytogenetic location: 2q24.3.
Variant type: single nucleotide variant.
Coding change: c.434T>C on transcript NM_001365536.1 (MANE Select); coding-DNA position 434, T replaced by C.
Protein change: p.Met145Thr; replaces methionine 145 with threonine.
Molecular consequence: missense variant.
Genome position (GRCh38, 1-based): chr2:166,306,543, A>G on the plus strand (T>C on the coding strand, the complement: SCN9A is on the minus strand). VCF-style: chr2-166306543-A-G. GRCh37 (hg19) VCF-style: chr2-167163053-A-G.
Other names: c.434T>C, p.Met145Thr (NM_002977.4); short protein forms M145T.
Identifiers: ClinVar variation 522010 (VCV000522010.14), dbSNP rs200815709, ClinGen allele CA1944794.

ClinVar aggregate classification (germline): Uncertain significance. Review status: criteria provided, multiple submitters, no conflicts (2 of 4 stars). 3 submissions from 3 submitters: Uncertain significance (3). Last evaluated 2026-03-25.

Conditions:
SCN9A-related disorder. Also called: SCN9A-related disorders; SCN9A-related condition.
Generalized epilepsy with febrile seizures plus, type 7 (GEFSP7). Also called: GEFS+, TYPE 7. Identifiers: Orphanet 36387, MedGen C2751778, MONDO:0013470, OMIM 613863.
Neuropathy, hereditary sensory and autonomic, type 2A (HSAN2A). Also called: HSAN IIA; ACROOSTEOLYSIS, GIACCAI TYPE; ACROOSTEOLYSIS, NEUROGENIC; WNK1-Related HSAN2 (HSAN2A); MORVAN DISEASE; NEUROPATHY, CONGENITAL SENSORY. Identifiers: Orphanet 970, MedGen C2752089, MONDO:0024309, OMIM 201300.
Inborn genetic diseases. Identifiers: MedGen C0950123, MeSH D030342.

Allele frequency attached by ClinVar (database versions not stated): gnomAD 0.00001; gnomAD exomes 0.00001 and 0.00002; ExAC 0.00002; TOPMed 0.00002; ESP Exome Variant Server 0.00008.

Submissions (3):

PreventionGenetics, part of Exact Sciences
Classification: Uncertain significance for SCN9A-related condition. Last evaluated: 2026-03-25. Review status: criteria provided, single submitter. Criteria: ACMG Guidelines, 2015. Collection method: clinical testing. Allele origin: germline.
Comment: The SCN9A c.434T>C variant is predicted to result in the amino acid substitution p.Met145Thr. To our knowledge, this variant has not been reported in the literature. This variant is reported in 0.0045% of alleles in individuals of European (non-Finnish) descent in gnomAD. At this time, the clinical significance of this variant is uncertain due to the absence of conclusive functional and genetic evidence.

Labcorp Genetics (formerly Invitae), Labcorp
Classification: Uncertain significance for Neuropathy, hereditary sensory and autonomic, type 2A; Generalized epilepsy with febrile seizures plus, type 7. Last evaluated: 2025-10-04. Review status: criteria provided, single submitter. Criteria: Invitae Variant Classification Sherloc (09022015). Collection method: clinical testing. Allele origin: germline.
Comment: This sequence change replaces methionine, which is neutral and non-polar, with threonine, which is neutral and polar, at codon 145 of the SCN9A protein (p.Met145Thr). The frequency data for this variant in the population databases is considered unreliable, as metrics indicate poor data quality at this position in the gnomAD database. This variant has not been reported in the literature in individuals affected with SCN9A-related conditions. ClinVar contains an entry for this variant (Variation ID: 522010). Invitae Evidence Modeling of protein sequence and biophysical properties (such as structural, functional, and spatial information, amino acid conservation, physicochemical variation, residue mobility, and thermodynamic stability) indicates that this missense variant is not expected to disrupt SCN9A protein function with a negative predictive value of 80%. In summary, the available evidence is currently insufficient to determine the role of this variant in disease. Therefore, it has been classified as a Variant of Uncertain Significance.

Ambry Genetics
Classification: Uncertain significance for Inborn genetic diseases. Last evaluated: 2024-01-02. Review status: criteria provided, single submitter. Criteria: Ambry Variant Classification Scheme 2023. Collection method: clinical testing. Allele origin: germline.
Comment: The c.434T>C (p.M145T) alteration is located in exon 4 (coding exon 3) of the SCN9A gene. This alteration results from a T to C substitution at nucleotide position 434, causing the methionine (M) at amino acid position 145 to be replaced by a threonine (T). The heterozygous missense change is ultra rare in healthy individuals:_x000D_ Based on data from the NHLBI Exome Sequencing Project (ESP), the SCN9A c.434T>C alteration was observed in 1 among 12220 total alleles studied (0.01%). Allele frequency data for this nucleotide position are not currently available from the 1000 Genomes Project. Based on data from the Genome Aggregation Database (gnomAD), the c.434T>C alteration was observed among 0.0025% (5/201732) of total alleles studied, having been observed in 0.0046% (4/86364) European (non-Finnish) alleles. Rare missense alleles commonly exhibit a deleterious effect on protein function (Kryukov, 2007; Tennessen, 2012; please note that some variants may appear to be rare due to ethnic underrepresentation in the database)._x000D_ _x000D_ IF USED, PULL THESE INTO REFERENCES:_x000D_ _x000D_ Kryukov GV, et al. (2007) Am J Hum Genet 80:727-739. Tennessen JA, et al. (2012) Science 337(64):64-69. The altered amino acid is not conserved throughout evolution:_x000D_ The p.M145 amino acid is not well conserved in available vertebrate species. In silico prediction is conflicting:_x000D_ The p.M145T alteration is predicted to be benign by Polyphen and deleterious by SIFT in silico analyses. Based on insufficient or conflicting evidence, the clinical significance of this alteration remains unclear.